The following is an entry in ClinVar:

NM_021942.6(TRAPPC11):c.375-3C>T

Gene: TRAPPC11 (trafficking protein particle complex subunit 11; plus strand). Cytogenetic location: 4q35.1.
Variant type: single nucleotide variant.
Coding change: c.375-3C>T on transcript NM_021942.6 (MANE Select); 3 bases into the intron before coding-DNA position 375, C replaced by T.
Molecular consequence: intron variant.
Genome position (GRCh38, 1-based): chr4:183,667,057, C>T. VCF-style: chr4-183667057-C-T. GRCh37 (hg19) VCF-style: chr4-184588210-C-T.
Other names: c.375-3C>T (NM_199053.3).
Identifiers: ClinVar variation 1060558 (VCV001060558.9), dbSNP rs2111303718, ClinGen allele CA2499217178.

ClinVar aggregate classification (germline): Uncertain significance (1 of 4 stars; one submission).

Conditions:
Autosomal recessive limb-girdle muscular dystrophy type R18 (LGMDR18). Also called: MUSCULAR DYSTROPHY, LIMB-GIRDLE, AUTOSOMAL RECESSIVE 18; Limb-girdle muscular dystrophy, type 2S; Autosomal recessive limb-girdle muscular dystrophy type 2S. Identifiers: Orphanet 369840, MedGen C4517996, MONDO:0014144, OMIM 615356.

Submission:

Labcorp Genetics (formerly Invitae), Labcorp
Classification: Uncertain significance for Autosomal recessive limb-girdle muscular dystrophy type R18. Last evaluated: 2020-04-15. Review status: criteria provided, single submitter. Criteria: Invitae Variant Classification Sherloc (09022015). Collection method: clinical testing. Allele origin: germline.
Comment: In summary, the available evidence is currently insufficient to determine the role of this variant in disease. Therefore, it has been classified as a Variant of Uncertain Significance. Nucleotide substitutions within the consensus splice site are a relatively common cause of aberrant splicing (PMID: 17576681, 9536098). Algorithms developed to predict the effect of sequence changes on RNA splicing suggest that this variant may create or strengthen a splice site, but this prediction has not been confirmed by published transcriptional studies. This variant has not been reported in the literature in individuals with TRAPPC11-related conditions. This variant is not present in population databases (ExAC no frequency). This sequence change falls in intron 3 of the TRAPPC11 gene. It does not directly change the encoded amino acid sequence of the TRAPPC11 protein, but it affects a nucleotide within the consensus splice site of the intron.

Literature cited by the submitters: PubMed 17576681; PubMed 9536098.